The following is an entry in ClinVar:

ClinVar aggregate classification (germline): Likely benign. Review status: criteria provided, multiple submitters, no conflicts (2 of 4 stars). 5 submissions from 5 submitters: Likely benign (4). 1 of the submissions does not count toward it. Last evaluated 2025-12-31.

Conditions:
Polymerase proofreading-related adenomatous polyposis. Also called: Polymerase proofreading associated polyposis; Polymerase proofreading–associated polyposis (PPAP). Identifiers: Orphanet 447877, MedGen C5202613, MONDO:0018653.
Hereditary cancer-predisposing syndrome. Also called: Hereditary Cancer Syndrome; Hereditary neoplastic syndrome; Neoplastic Syndromes, Hereditary; Tumor predisposition. Identifiers: Orphanet 140162, MedGen C0027672, MeSH D009386, MONDO:0015356.

Allele frequency attached by ClinVar (database versions not stated): gnomAD 0.00001 and 0.00002; gnomAD exomes 0.00001; TOPMed 0.00001; ExAC 0.00002.
gnomAD v4.1: 22 of 1,596,238 alleles (0.0014%); highest among the groups gnomAD compares: East Asian, 0.013%; no homozygotes.

Submissions (5):

Labcorp Genetics (formerly Invitae), Labcorp
Classification: Likely benign. Last evaluated: 2025-12-31. Review status: criteria provided, single submitter. Criteria: Invitae Variant Classification Sherloc (09022015). Collection method: clinical testing. Allele origin: germline.

Center for Genomic Medicine, Rigshospitalet, Copenhagen University Hospital
Classification: Likely benign. Last evaluated: 2025-03-04. Review status: criteria provided, single submitter. Criteria: ACMG Guidelines, 2015. Collection method: clinical testing. Allele origin: germline.

GeneDx
Classification: Likely benign. Last evaluated: 2019-12-03. Review status: criteria provided, single submitter. Criteria: GeneDx Variant Classification Process June 2021. Collection method: clinical testing. Allele origin: germline. Affected: yes.

Ambry Genetics
Classification: Likely benign for Hereditary cancer-predisposing syndrome. Last evaluated: 2018-06-18. Review status: criteria provided, single submitter. Criteria: Ambry Variant Classification Scheme 2023. Collection method: clinical testing. Allele origin: germline.

Department of Pathology and Laboratory Medicine, Sinai Health System
Classification: Likely benign for Polymerase proofreading-related adenomatous polyposis. Review status: no assertion criteria provided. Collection method: clinical testing. Allele origin: unknown. Affected: yes. Observed: 1 variant allele. Study: The Canadian Open Genetics Repository (COGR). Not counted in ClinVar's aggregate classification.
Comment: The POLE p.Gly1527= variant was not identified in the literature nor was it identified in the Cosmic and MutDB. The variant was identified in dbSNP (ID: rs772646117) â€šÃ„ÃºWith Likely benign alleleâ€šÃ„Ã¹, ClinVar (classified as likely benign by GeneDx and Invitae), Clinvitae (2x), and in control databases in 5 of 256250 chromosomes at a frequency of 0.00002 (Genome Aggregation Database Feb 27, 2017). Breakdown of the observations by population include Latino in 2 of 28422 chromosomes (freq: 0.00007) and East Asian in 3 of 17724 chromosomes (freq: 0.0002), while not observed in the African, Other, European Non-Finnish, Ashkenazi Jewish, European Finnish, and South Asian populations. The p.Gly1527= variant is not expected to have clinical significance because it does not result in a change of amino acid and is not located in a known consensus splice site. In summary, based on the above information the clinical significance of this variant cannot be determined with certainty at this time although we would lean towards a more benign role for this variant. This variant is classified as likely benign.

NM_006231.4(POLE):c.4581C>T (p.Gly1527=)

Gene: POLE (DNA polymerase epsilon, catalytic subunit; minus strand). Cytogenetic location: 12q24.33.
Variant type: single nucleotide variant.
Coding change: c.4581C>T on transcript NM_006231.4 (MANE Select); coding-DNA position 4581, C replaced by T.
Protein change: p.Gly1527=; no amino-acid change (glycine 1527 retained).
Molecular consequence: synonymous variant.
Genome position (GRCh38, 1-based): chr12:132,642,967, G>A on the plus strand (C>T on the coding strand, the complement: POLE is on the minus strand). VCF-style: chr12-132642967-G-A. GRCh37 (hg19) VCF-style: chr12-133219553-G-A.
Identifiers: ClinVar variation 389266 (VCV000389266.22), dbSNP rs772646117, ClinGen allele CA6892770.